The following is an entry in ClinVar:

NM_000093.5(COL5A1):c.3528+295T>C

Gene: COL5A1 (collagen type V alpha 1 chain; plus strand). Cytogenetic location: 9q34.3.
Variant type: single nucleotide variant.
Coding change: c.3528+295T>C on transcript NM_000093.5 (MANE Select); 295 bases into the intron after coding-DNA position 3528, T replaced by C.
Molecular consequence: intron variant.
Genome position (GRCh38, 1-based): chr9:134,810,603, T>C. VCF-style: chr9-134810603-T-C. GRCh37 (hg19) VCF-style: chr9-137702449-T-C.
Other names: c.3528+295T>C (NM_001278074.1).
Identifiers: ClinVar variation 669636 (VCV000669636.1), dbSNP rs34766531, ClinGen allele CA201086722.

ClinVar aggregate classification (germline): Benign (1 of 4 stars; one submission).

Allele frequency attached by ClinVar (database versions not stated): 1000 Genomes Project 0.01777; 1000 Genomes Project 30x 0.01811; TOPMed 0.03450; gnomAD 0.03854 and 0.03930.
gnomAD v4.1: 17,720 of 447,356 alleles (4%); highest among the groups gnomAD compares: Non-Finnish European, 5.2%; 477 homozygotes.

Submission:

GeneDx
Classification: Benign. Last evaluated: 2018-06-14. Review status: criteria provided, single submitter. Criteria: GeneDx Variant Classification (06012015). Collection method: clinical testing. Allele origin: germline. Affected: yes.
Comment: This variant is considered likely benign or benign based on one or more of the following criteria: it is a conservative change, it occurs at a poorly conserved position in the protein, it is predicted to be benign by multiple in silico algorithms, and/or has population frequency not consistent with disease.